The following is an entry in ClinVar:

NM_000465.4(BARD1):c.2134G>T (p.Asp712Tyr)

Gene: BARD1 (BRCA1 associated RING domain 1; minus strand). Cytogenetic location: 2q35.
Variant type: single nucleotide variant.
Coding change: c.2134G>T on transcript NM_000465.4 (MANE Select); coding-DNA position 2134, G replaced by T.
Protein change: p.Asp712Tyr; replaces aspartic acid 712 with tyrosine.
Molecular consequence: missense variant. On other transcripts: non-coding transcript variant (3).
Genome position (GRCh38, 1-based): chr2:214,728,876, C>A on the plus strand (G>T on the coding strand, the complement: BARD1 is on the minus strand). VCF-style: chr2-214728876-C-A. GRCh37 (hg19) VCF-style: chr2-215593600-C-A.
Other names: c.2077G>T, p.Asp693Tyr (NM_001282543.2); c.781G>T, p.Asp261Tyr (NM_001282545.2); c.724G>T, p.Asp242Tyr (NM_001282548.2); c.595G>T, p.Asp199Tyr (NM_001282549.2); short protein forms D712Y, D693Y, D199Y, D261Y, D242Y.
Identifiers: ClinVar variation 485323 (VCV000485323.5), dbSNP rs1553612168, ClinGen allele CA350450526.

ClinVar aggregate classification (germline): Uncertain significance (1 of 4 stars; one submission).

Conditions:
Hereditary cancer-predisposing syndrome. Also called: Neoplastic Syndromes, Hereditary; Tumor predisposition; Hereditary Cancer Syndrome; Hereditary neoplastic syndrome. Identifiers: Orphanet 140162, MedGen C0027672, MeSH D009386, MONDO:0015356.

Allele frequency attached by ClinVar (database versions not stated): gnomAD exomes below 0.00001.
gnomAD v4.1: 1 of 1,614,184 alleles (0.000062%); highest among the groups gnomAD compares: Non-Finnish European, 0.000085%; no homozygotes.

Submission:

Ambry Genetics
Classification: Uncertain significance for Hereditary cancer-predisposing syndrome. Last evaluated: 2017-05-01. Review status: criteria provided, single submitter. Criteria: Ambry Variant Classification Scheme 2023. Collection method: clinical testing. Allele origin: germline.
Comment: The p.D712Y variant (also known as c.2134G>T), located in coding exon 11 of the BARD1 gene, results from a G to T substitution at nucleotide position 2134. The aspartic acid at codon 712 is replaced by tyrosine, an amino acid with highly dissimilar properties. This amino acid position is highly conserved in available vertebrate species. In addition, the in silico prediction for this alteration is inconclusive. Since supporting evidence is limited at this time, the clinical significance of this alteration remains unclear.